The following is an entry in ClinVar:

ClinVar aggregate classification (germline): Likely benign (1 of 4 stars; one submission).

Allele frequency attached by ClinVar (database versions not stated): 1000 Genomes Project 30x 0.00219; 1000 Genomes Project 0.00220; ESP Exome Variant Server 0.00360; TOPMed 0.00379; gnomAD 0.00444; ExAC 0.00481; gnomAD exomes 0.00588.
gnomAD v4.1: 9,283 of 1,613,900 alleles (0.58%); highest among the groups gnomAD compares: Non-Finnish European, 0.59%; 33 homozygotes.

Submission:

CeGaT Center for Human Genetics Tuebingen
Classification: Likely benign. Last evaluated: 2023-03-01. Review status: criteria provided, single submitter. Criteria: CeGaT Center For Human Genetics Tuebingen Variant Classification Criteria Version 2. Collection method: clinical testing. Allele origin: germline. Affected: yes. Observed: 1 variant allele.
Comment: TCF7: BP4, BP7, BS2

NM_003202.5(TCF7):c.1076-449T>C

Genes: TCF7 (transcription factor 7; plus strand), LOC129994655 (ATAC-STARR-seq lymphoblastoid active region 23133; plus strand). Cytogenetic location: 5q31.1.
Variant type: single nucleotide variant.
Coding change: c.1076-449T>C on transcript NM_003202.5 (MANE Select); 449 bases into the intron before coding-DNA position 1076, T replaced by C.
Molecular consequence: intron variant. On other transcripts: synonymous variant (2).
Genome position (GRCh38, 1-based): chr5:134,145,775, T>C. VCF-style: chr5-134145775-T-C. GRCh37 (hg19) VCF-style: chr5-133481466-T-C.
Other names: c.765T>C, p.Asn255= (NM_001134851.4, NM_201633.2); c.1169-449T>C (NM_001346425.2); c.731-449T>C (NM_213648.5, NM_201632.5); c.824-426T>C (NM_001346450.2); c.804-426T>C (NM_201634.5); c.656-449T>C (NM_001366502.2).
Identifiers: ClinVar variation 2655707 (VCV002655707.24), dbSNP rs182000264, ClinGen allele CA3412433.